The following is an entry in ClinVar:

ClinVar aggregate classification (germline): Likely benign (1 of 4 stars; one submission).

Submission:

CeGaT Center for Human Genetics Tuebingen
Classification: Likely benign. Last evaluated: 2026-09-01. Review status: criteria provided, single submitter. Criteria: CeGaT Center For Human Genetics Tuebingen Variant Classification Criteria Version 2. Collection method: clinical testing. Allele origin: germline. Affected: yes. Observed: 5 variant alleles.
Comment: PPP1R3F: PM2:Supporting, BP4, BP7

NM_033215.5(PPP1R3F):c.717C>A (p.Arg239=)

Gene: PPP1R3F (protein phosphatase 1 regulatory subunit 3F; plus strand). Cytogenetic location: Xp11.23.
Variant type: single nucleotide variant.
Coding change: c.717C>A on transcript NM_033215.5 (MANE Select); coding-DNA position 717, C replaced by A.
Protein change: p.Arg239=; no amino-acid change (arginine 239 retained).
Molecular consequence: synonymous variant. On other transcripts: intron variant (1).
Genome position (GRCh38, 1-based): chrX:49,270,586, C>A. VCF-style: chrX-49270586-C-A. GRCh37 (hg19) VCF-style: chrX-49127049-C-A.
Other names: c.-32+653C>A (NM_001184745.2).
Identifiers: ClinVar variation 4085095 (VCV004085095.8).
Genomic context (GRCh38, chrX:49,270,586, plus strand): 5'-TCCGGGGCTCGGCCTGGGTCCCGGCCAGGCATCCGCCTCCTCGCCCGACGACGGCGGCCG[C>A]ACCGACCGCTTTGCCTTCCAGCTGCCCTTTGCTGAGGGCGCGGGCGATGGGGCGCGCCTC-3'
Protein context (NP_149992.3, residues 229-249): ASASSPDDGG[Arg239=]TDRFAFQLPF